The following is an entry in ClinVar:

ClinVar aggregate classification (germline): Uncertain significance. Review status: criteria provided, multiple submitters, no conflicts (2 of 4 stars). 3 submissions from 3 submitters: Uncertain significance (3). Last evaluated 2026-01-16.

Conditions:
Arrhythmogenic cardiomyopathy with wooly hair and keratoderma. Also called: PALMOPLANTAR KERATODERMA WITH LEFT VENTRICULAR CARDIOMYOPATHY AND WOOLLY HAIR; Carvajal syndrome; Dilated cardiomyopathy with woolly hair and keratoderma; Arrhythmogenic cardiomyopathy with woolly hair and keratoderma. Identifiers: Orphanet 65282, MedGen C1854063, MONDO:0011581, OMIM 605676.
Arrhythmogenic right ventricular dysplasia 8 (ARVD8). Also called: ARRHYTHMOGENIC RIGHT VENTRICULAR DYSPLASIA, FAMILIAL, 8; ARRHYTHMOGENIC RIGHT VENTRICULAR CARDIOMYOPATHY 8; Arrhythmogenic Right Ventricular Dysplasia/Cardiomyopathy 8. Identifiers: MedGen C1843896, MONDO:0011831, OMIM 607450.
Cardiovascular phenotype. Identifiers: MedGen CN230736.

Allele frequency attached by ClinVar (database versions not stated): gnomAD 0.00001; TOPMed 0.00001.
gnomAD v4.1: 1 of 1,614,014 alleles (0.000062%); highest among the groups gnomAD compares: African/African-American, 0.0013%; no homozygotes.

Submissions (3):

Labcorp Genetics (formerly Invitae), Labcorp
Classification: Uncertain significance for Arrhythmogenic cardiomyopathy with wooly hair and keratoderma; Arrhythmogenic right ventricular dysplasia 8. Last evaluated: 2026-01-16. Review status: criteria provided, single submitter. Criteria: Invitae Variant Classification Sherloc (09022015). Collection method: clinical testing. Allele origin: germline.
Comment: This sequence change replaces threonine, which is neutral and polar, with isoleucine, which is neutral and non-polar, at codon 2196 of the DSP protein (p.Thr2196Ile). This variant is not present in population databases (gnomAD no frequency). This missense change has been observed in individual(s) with arrhythmogenic right ventricular cardiomyopathy (PMID: 29606362). ClinVar contains an entry for this variant (Variation ID: 575874). An algorithm developed to predict the effect of missense changes on protein structure and function (PolyPhen-2) suggests that this variant is likely to be disruptive. In summary, the available evidence is currently insufficient to determine the role of this variant in disease. Therefore, it has been classified as a Variant of Uncertain Significance.

All of Us Research Program, National Institutes of Health
Classification: Uncertain significance for Arrhythmogenic cardiomyopathy with wooly hair and keratoderma. Last evaluated: 2024-05-09. Review status: criteria provided, single submitter. Criteria: ACMG Guidelines, 2015. Collection method: clinical testing. Allele origin: germline. Inheritance: Autosomal dominant inheritance. Observed: 1 variant allele, 1 heterozygote.
Comment: This study involves interpretation of variants in research participants for the purpose of population health screening. Participant phenotype was not available at the time of variant classification. Additional details can be found in publication PMID: 35346344, PMCID: PMC8962531

Ambry Genetics
Classification: Uncertain significance for Cardiovascular phenotype. Last evaluated: 2020-12-01. Review status: criteria provided, single submitter. Criteria: Ambry Variant Classification Scheme 2023. Collection method: clinical testing. Allele origin: germline.
Comment: The p.T2196I variant (also known as c.6587C>T), located in coding exon 24 of the DSP gene, results from a C to T substitution at nucleotide position 6587. The threonine at codon 2196 is replaced by isoleucine, an amino acid with similar properties. This variant was reported in one individual from an arrhythmogenic right ventricular cardiomyopathy (ARVC) cohort (Ruiz Salas A et al. Rev Esp Cardiol (Engl Ed), 2018 Dec;71:1018-1026). This amino acid position is well conserved in available vertebrate species. In addition, the in silico prediction for this alteration is inconclusive. Since supporting evidence is limited at this time, the clinical significance of this alteration remains unclear.

Literature cited by the submitters: PubMed 29606362 (cited by Labcorp Genetics (formerly Invitae), Labcorp and Ambry Genetics).

NM_004415.4(DSP):c.6587C>T (p.Thr2196Ile)

Gene: DSP (desmoplakin; plus strand). Cytogenetic location: 6p24.3.
Variant type: single nucleotide variant.
Coding change: c.6587C>T on transcript NM_004415.4 (MANE Select); coding-DNA position 6587, C replaced by T.
Protein change: p.Thr2196Ile; replaces threonine 2196 with isoleucine.
Molecular consequence: missense variant.
Genome position (GRCh38, 1-based): chr6:7,583,849, C>T. VCF-style: chr6-7583849-C-T. GRCh37 (hg19) VCF-style: chr6-7584082-C-T.
Other names: c.6587C>T (LRG_423t1); c.4790C>T, p.Thr1597Ile (NM_001008844.3); c.5258C>T, p.Thr1753Ile (NM_001319034.2); short protein forms T2196I, T1597I, T1753I.
Identifiers: ClinVar variation 575874 (VCV000575874.12), dbSNP rs958098310, ClinGen allele CA133975106.